The following is an entry in ClinVar:

ClinVar aggregate classification (germline): Pathogenic (1 of 4 stars; one submission).

Conditions:
Spastic paraplegia. Identifiers: MedGen C0037772, HP:0001258.

Submission:

Labcorp Genetics (formerly Invitae), Labcorp
Classification: Pathogenic for Spastic paraplegia. Last evaluated: 2023-12-12. Review status: criteria provided, single submitter. Criteria: Invitae Variant Classification Sherloc (09022015). Collection method: clinical testing. Allele origin: germline.
Comment: This sequence change creates a premature translational stop signal (p.Ser409Phefs*3) in the SACS gene. It is expected to result in an absent or disrupted protein product. Loss-of-function variants in SACS are known to be pathogenic (PMID: 18465152, 20876471). This variant is not present in population databases (gnomAD no frequency). This variant has not been reported in the literature in individuals affected with SACS-related conditions. For these reasons, this variant has been classified as Pathogenic.

Literature cited by the submitters: PubMed 18465152; PubMed 20876471.

NM_014363.6(SACS):c.1226_1227del (p.Ser409fs)

Gene: SACS (sacsin molecular chaperone; minus strand). Cytogenetic location: 13q12.12.
Variant type: Microsatellite.
Coding change: c.1226_1227del on transcript NM_014363.6 (MANE Select); coding-DNA positions 1226 to 1227, 2 bases deleted (CT; older notation c.1226_1227delCT).
Protein change: p.Ser409fs; shifts the reading frame from serine 409.
Molecular consequence: frameshift variant.
Genome position (GRCh38, 1-based): chr13:23,355,385-23,355,386, AG deleted on the plus strand (CT on the coding strand, the reverse complement: SACS is on the minus strand); deleting any 2 consecutive bases within chr13:23,355,385-23,355,388 gives the same sequence; the c. name uses the placement nearest the transcript's 3' end. VCF-style (leftmost placement, unchanged base first): chr13-23355384-AAG-A. GRCh37 (hg19) VCF-style: chr13-23929523-AAG-A.
Other names: c.785_786del, p.Ser262fs (NM_001278055.2); short protein forms S409fs, S262fs.
Identifiers: ClinVar variation 2757134 (VCV002757134.3), dbSNP rs2542398436, ClinGen allele CA2697551657.